The following is an entry in ClinVar:

ClinVar aggregate classification (germline): Benign. Review status: criteria provided, multiple submitters, no conflicts (2 of 4 stars). 6 submissions from 6 submitters: Benign (4). 2 of the submissions do not count toward it. Last evaluated 2026-09-01.

Conditions:
Rubinstein-Taybi syndrome due to EP300 haploinsufficiency. Also called: EP300-Related Rubinstein-Taybi Syndrome; RUBINSTEIN-TAYBI SYNDROME 2. Identifiers: Orphanet 353284, Orphanet 783, MedGen C3150941, MONDO:0013364, OMIM 613684.

Allele frequency attached by ClinVar (database versions not stated): 1000 Genomes Project 0.00080; gnomAD exomes 0.00098 and 0.00506; 1000 Genomes Project 30x 0.00125; TOPMed 0.00232; ExAC 0.00393; gnomAD 0.00071 and 0.00072.
gnomAD v4.1: 1,490 of 1,612,184 alleles (0.092%); highest among the groups gnomAD compares: Admixed American, 2.4%; 44 homozygotes.

Submissions (6):

CeGaT Center for Human Genetics Tuebingen
Classification: Benign. Last evaluated: 2026-09-01. Review status: criteria provided, single submitter. Criteria: CeGaT Center For Human Genetics Tuebingen Variant Classification Criteria Version 2. Collection method: clinical testing. Allele origin: germline. Affected: yes. Observed: 8 variant alleles.
Comment: EP300: BS1, BS2

Labcorp Genetics (formerly Invitae), Labcorp
Classification: Benign for Rubinstein-Taybi syndrome due to EP300 haploinsufficiency. Last evaluated: 2026-02-03. Review status: criteria provided, single submitter. Criteria: Invitae Variant Classification Sherloc (09022015). Collection method: clinical testing. Allele origin: germline.

GeneDx
Classification: Benign. Last evaluated: 2019-09-10. Review status: criteria provided, single submitter. Criteria: GeneDx Variant Classification Process June 2021. Collection method: clinical testing. Allele origin: germline. Affected: yes.

Eurofins Ntd Llc (ga)
Classification: Benign. Last evaluated: 2015-09-08. Review status: criteria provided, single submitter. Criteria: EGL Classification Definitions 2015. Collection method: clinical testing. Allele origin: germline. Observed: 1 variant allele, 1 heterozygote.

Genetic Services Laboratory, University of Chicago
Classification: Benign. Last evaluated: 2022-12-05. Review status: no assertion criteria provided. Collection method: clinical testing. Allele origin: germline. Affected: no. Not counted in ClinVar's aggregate classification.

ITMI
No classification provided. Condition: AllHighlyPenetrant. Last evaluated: 2013-09-19. Review status: no classification provided. Collection method: reference population. Allele origin: germline. Not counted in ClinVar's aggregate classification.
Comment: Please see associated publication for description of ethnicities

Literature cited by the submitters: PubMed 24728327 (cited by ITMI).

NM_001429.4(EP300):c.2576T>C (p.Ile859Thr)

Gene: EP300 (EP300 lysine acetyltransferase; plus strand). Cytogenetic location: 22q13.2.
Variant type: single nucleotide variant.
Coding change: c.2576T>C on transcript NM_001429.4 (MANE Select); coding-DNA position 2576, T replaced by C.
Protein change: p.Ile859Thr; replaces isoleucine 859 with threonine.
Molecular consequence: missense variant.
Genome position (GRCh38, 1-based): chr22:41,149,957, T>C. VCF-style: chr22-41149957-T-C. GRCh37 (hg19) VCF-style: chr22-41545961-T-C.
Other names: c.2498T>C, p.Ile833Thr (NM_001362843.2); short protein forms I859T, I833T.
Identifiers: ClinVar variation 134040 (VCV000134040.20), dbSNP rs145714752, ClinGen allele CA158490.